The following is an entry in ClinVar:

ClinVar aggregate classification (germline): Conflicting classifications of pathogenicity. Review status: criteria provided, conflicting classifications (1 of 4 stars). 5 submissions from 4 submitters: Uncertain significance (2); Likely benign (2). 1 of the submissions does not count toward it. Last evaluated 2026-02-01.

Conditions:
CHRNA1-related disorder. Also called: CHRNA1-related condition.
Congenital myasthenic syndrome (CMS). Also called: Congenital Myasthenic Syndromes. Identifiers: Orphanet 590, MedGen C0751882, MeSH D020294, MONDO:0018940.
Lethal multiple pterygium syndrome (LMPS). Identifiers: Orphanet 33108, MedGen C1854678, MONDO:0009668, OMIM 253290.

Allele frequency attached by ClinVar (database versions not stated): gnomAD exomes 0.00040 and 0.00082; ExAC 0.00046; TOPMed 0.00051; gnomAD 0.00052 and 0.00054; ESP Exome Variant Server 0.00085.

Submissions (5):

Labcorp Genetics (formerly Invitae), Labcorp
Classification: Likely benign for Lethal multiple pterygium syndrome. Last evaluated: 2026-02-01. Review status: criteria provided, single submitter. Criteria: Invitae Variant Classification Sherloc (09022015). Collection method: clinical testing. Allele origin: germline.

CeGaT Center for Human Genetics Tuebingen
Classification: Likely benign. Last evaluated: 2025-05-01. Review status: criteria provided, single submitter. Criteria: CeGaT Center For Human Genetics Tuebingen Variant Classification Criteria Version 2. Collection method: clinical testing. Allele origin: germline. Affected: yes. Observed: 2 variant alleles.
Comment: CHRNA1: BP4, BP7

Illumina Laboratory Services, Illumina
Classification: Uncertain significance for Congenital myasthenic syndrome. Last evaluated: 2018-01-12. Review status: criteria provided, single submitter. Criteria: ICSL Variant Classification Criteria 13 December 2019. Collection method: clinical testing. Allele origin: germline.

Illumina Laboratory Services, Illumina
Classification: Uncertain significance for Lethal multiple pterygium syndrome. Last evaluated: 2018-01-12. Review status: criteria provided, single submitter. Criteria: ICSL Variant Classification Criteria 13 December 2019. Collection method: clinical testing. Allele origin: germline.

PreventionGenetics, part of Exact Sciences
Classification: Likely benign for CHRNA1-related condition. Last evaluated: 2020-01-14. Review status: no assertion criteria provided. Collection method: clinical testing. Allele origin: germline. Not counted in ClinVar's aggregate classification.
Comment: This variant is classified as likely benign based on ACMG/AMP sequence variant interpretation guidelines (Richards et al. 2015 PMID: 25741868, with internal and published modifications).

NM_000079.4(CHRNA1):c.1293C>T (p.Leu431=)

Gene: CHRNA1 (cholinergic receptor nicotinic alpha 1 subunit; minus strand). Cytogenetic location: 2q31.1.
Variant type: single nucleotide variant.
Coding change: c.1293C>T on transcript NM_000079.4 (MANE Select); coding-DNA position 1293, C replaced by T.
Protein change: p.Leu431=; no amino-acid change (leucine 431 retained).
Molecular consequence: synonymous variant.
Genome position (GRCh38, 1-based): chr2:174,748,205, G>A on the plus strand (C>T on the coding strand, the complement: CHRNA1 is on the minus strand). VCF-style: chr2-174748205-G-A. GRCh37 (hg19) VCF-style: chr2-175612933-G-A.
Other names: c.1368C>T (NM_001039523.2); c.1368C>T, p.Leu456= (NM_001039523.3).
Identifiers: ClinVar variation 332437 (VCV000332437.39), dbSNP rs146899588, ClinGen allele CA1974307.